The following is an entry in ClinVar:

ClinVar aggregate classification (germline): Pathogenic/Likely pathogenic. Review status: criteria provided, multiple submitters, no conflicts (2 of 4 stars). 2 submissions from 2 submitters: Pathogenic (1); Likely pathogenic (1). Last evaluated 2024-03-18.

Conditions:
Cohen syndrome (COH1). Also called: Cutis verticis gyrata, retinitis pigmentosa, and sensorineural deafness; PEPPER SYNDROME. Identifiers: Orphanet 193, MedGen C0265223, MONDO:0008999, OMIM 216550.

Submissions (2):

Labcorp Genetics (formerly Invitae), Labcorp
Classification: Pathogenic for Cohen syndrome. Last evaluated: 2024-03-18. Review status: criteria provided, single submitter. Criteria: Invitae Variant Classification Sherloc (09022015). Collection method: clinical testing. Allele origin: germline.
Comment: This sequence change affects a donor splice site in intron 57 of the VPS13B gene. It is expected to disrupt RNA splicing. Variants that disrupt the donor or acceptor splice site typically lead to a loss of protein function (PMID: 16199547), and loss-of-function variants in VPS13B are known to be pathogenic (PMID: 15141358, 16648375, 20461111). This variant is not present in population databases (gnomAD no frequency). Disruption of this splice site has been observed in individual(s) with clinical features of Cohen syndrome (PMID: 24311531). In at least one individual the data is consistent with being in trans (on the opposite chromosome) from a pathogenic variant. Studies have shown that disruption of this splice site alters VPS13B gene expression (PMID: 24311531). Studies have shown that disruption of this splice site is associated with altered splicing resulting in multiple RNA products (PMID: 24311531). For these reasons, this variant has been classified as Pathogenic.

Institute of Medical Genetics and Applied Genomics, University Hospital Tübingen
Classification: Likely pathogenic for Cohen syndrome. Last evaluated: 2024-02-19. Review status: criteria provided, single submitter. Criteria: ACMG Guidelines, 2015. Collection method: clinical testing. Allele origin: germline. Inheritance: Autosomal recessive inheritance. Affected: yes.

Literature cited by the submitters: PubMed 16199547 (cited by Labcorp Genetics (formerly Invitae), Labcorp); PubMed 15141358 (cited by Labcorp Genetics (formerly Invitae), Labcorp); PubMed 16648375 (cited by Labcorp Genetics (formerly Invitae), Labcorp); PubMed 20461111 (cited by Labcorp Genetics (formerly Invitae), Labcorp); PubMed 24311531 (cited by Labcorp Genetics (formerly Invitae), Labcorp).

NM_152564.5(VPS13B):c.11044+1G>A

Gene: VPS13B (vacuolar protein sorting 13 homolog B; plus strand). Cytogenetic location: 8q22.2.
Variant type: single nucleotide variant.
Coding change: c.11044+1G>A on transcript NM_152564.5 (MANE Select); the canonical splice donor site of the intron after coding-DNA position 11044, G replaced by A.
Molecular consequence: splice donor variant.
Genome position (GRCh38, 1-based): chr8:99,859,481, G>A. VCF-style: chr8-99859481-G-A. GRCh37 (hg19) VCF-style: chr8-100871709-G-A.
Other names: c.11119+1G>A (NM_017890.5).
Identifiers: ClinVar variation 3024073 (VCV003024073.3), dbSNP rs2492279185, ClinGen allele CA371789553.